The following is an entry in ClinVar:

NM_005060.4(RORC):c.156+81_156+82insCACACACT

Gene: RORC (RAR related orphan receptor C; minus strand). Cytogenetic location: 1q21.3.
Variant type: Microsatellite.
Coding change: c.156+81_156+82insCACACACT on transcript NM_005060.4 (MANE Select); bases 81 to 82 of the intron after coding-DNA position 156, CACACACT inserted.
Molecular consequence: intron variant.
Genome position: GRCh38 VCF-style: chr1-151817113-T-TGTGTGTGA. GRCh37 (hg19) VCF-style: chr1-151789589-T-TGTGTGTGA.
Other names: c.93+81_93+82insCACACACT (NM_001001523.2).
Identifiers: ClinVar variation 2688334 (VCV002688334.2), dbSNP rs2525632419.

ClinVar aggregate classification (germline): Benign (1 of 4 stars; one submission).

Submission:

Unidad de Genómica Garrahan, Hospital de Pediatría Garrahan
Classification: Benign. Last evaluated: 2024-01-24. Review status: criteria provided, single submitter. Criteria: ACMG Guidelines, 2015. Collection method: clinical testing. Allele origin: germline. Affected: no. Observed: 20 variant alleles.
Comment: This variant is classified as Benign based on local population frequency. This variant was detected in 21% of patients studied by a panel of primary immunodeficiencies. Number of patients: 20. Only high quality variants are reported.